The following is an entry in ClinVar:

ClinVar aggregate classification (germline): Uncertain significance. Review status: criteria provided, multiple submitters, no conflicts (2 of 4 stars). 6 submissions from 5 submitters: Uncertain significance (6). Last evaluated 2024-07-15.

Conditions:
Pierson syndrome. Also called: MICROCORIA-CONGENITAL NEPHROTIC SYNDROME. Identifiers: Orphanet 2670, MedGen C1836876, MONDO:0012184, OMIM 609049.
LAMB2-related infantile-onset nephrotic syndrome. Also called: NEPHROTIC SYNDROME, TYPE 5, WITHOUT OCULAR ABNORMALITIES; NEPHROTIC SYNDROME, TYPE 5, WITH OCULAR ABNORMALITIES; Nephrotic Syndrome, type 5. Identifiers: Orphanet 306507, MedGen C3280113, MONDO:0013621, OMIM 614199.

Allele frequency attached by ClinVar (database versions not stated): gnomAD exomes 0.00008 and 0.00029; ExAC 0.00011; gnomAD 0.00013 and 0.00014; TOPMed 0.00014.
gnomAD v4.1: 426 of 1,613,818 alleles (0.026%); highest among the groups gnomAD compares: Non-Finnish European, 0.035%; no homozygotes.

Submissions (6):

Blueprint Genetics
Classification: Uncertain significance. Last evaluated: 2024-07-15. Review status: criteria provided, single submitter. Criteria: ACMG Guidelines, 2015. Collection method: clinical testing. Allele origin: germline.

Labcorp Genetics (formerly Invitae), Labcorp
Classification: Uncertain significance for LAMB2-related infantile-onset nephrotic syndrome; Pierson syndrome. Last evaluated: 2022-07-25. Review status: criteria provided, single submitter. Criteria: Invitae Variant Classification Sherloc (09022015). Collection method: clinical testing. Allele origin: germline.
Comment: This sequence change replaces histidine, which is basic and polar, with arginine, which is basic and polar, at codon 1383 of the LAMB2 protein (p.His1383Arg). This variant is present in population databases (rs754983373, gnomAD 0.02%). This variant has not been reported in the literature in individuals affected with LAMB2-related conditions. ClinVar contains an entry for this variant (Variation ID: 652981). Algorithms developed to predict the effect of missense changes on protein structure and function are either unavailable or do not agree on the potential impact of this missense change (SIFT: "Deleterious"; PolyPhen-2: "Benign"; Align-GVGD: "Class C0"). In summary, the available evidence is currently insufficient to determine the role of this variant in disease. Therefore, it has been classified as a Variant of Uncertain Significance.

Fulgent Genetics
Classification: Uncertain significance for Pierson syndrome; LAMB2-related infantile-onset nephrotic syndrome. Last evaluated: 2021-12-30. Review status: criteria provided, single submitter. Criteria: ACMG Guidelines, 2015. Collection method: clinical testing. Allele origin: unknown.

GeneDx
Classification: Uncertain significance. Last evaluated: 2020-01-12. Review status: criteria provided, single submitter. Criteria: GeneDx Variant Classification Process June 2021. Collection method: clinical testing. Allele origin: germline. Affected: yes.
Comment: Has not been previously published as pathogenic or benign to our knowledge; In silico analysis, which includes protein predictors and evolutionary conservation, supports that this variant does not alter protein structure/function

Illumina Laboratory Services, Illumina
Classification: Uncertain significance for Pierson syndrome. Last evaluated: 2018-01-13. Review status: criteria provided, single submitter. Criteria: ICSL Variant Classification Criteria 13 December 2019. Collection method: clinical testing. Allele origin: germline.

Illumina Laboratory Services, Illumina
Classification: Uncertain significance for LAMB2-related infantile-onset nephrotic syndrome. Last evaluated: 2018-01-13. Review status: criteria provided, single submitter. Criteria: ICSL Variant Classification Criteria 13 December 2019. Collection method: clinical testing. Allele origin: germline.

NM_002292.4(LAMB2):c.4148A>G (p.His1383Arg)

Gene: LAMB2 (laminin subunit beta 2; minus strand). Cytogenetic location: 3p21.31.
Variant type: single nucleotide variant.
Coding change: c.4148A>G on transcript NM_002292.4 (MANE Select); coding-DNA position 4148, A replaced by G.
Protein change: p.His1383Arg; replaces histidine 1383 with arginine.
Molecular consequence: missense variant.
Genome position (GRCh38, 1-based): chr3:49,123,208, T>C on the plus strand (A>G on the coding strand, the complement: LAMB2 is on the minus strand). VCF-style: chr3-49123208-T-C. GRCh37 (hg19) VCF-style: chr3-49160641-T-C.
Other names: short protein forms H1383R.
Identifiers: ClinVar variation 652981 (VCV000652981.11), dbSNP rs754983373, ClinGen allele CA2393862.